The following is an entry in ClinVar:

ClinVar aggregate classification (somatic clinical impact): Tier II - Potential (1 of 4 stars; one submission).

Conditions:
Embryonal rhabdomyosarcoma (ERMS). Also called: Botryoid rhabdomyosarcoma (type of ERMS); Spindle cell rhabdomyosarcomas (type of ERMS). Identifiers: Orphanet 99757, MedGen C0206656, MONDO:0009993, HP:0006743.

Submission:

Institute for Genomic Medicine (IGM) Clinical Laboratory, Nationwide Children's Hospital
Classification: Tier II - Potential for Embryonal rhabdomyosarcoma. Assertion type: diagnostic. Clinical significance: supports diagnosis. Last evaluated: 2022-12-22. Review status: criteria provided, single submitter. Criteria: AMP/ASCO/CAP Guidelines, 2017. Collection method: clinical testing. Allele origin: somatic. Affected: yes.
Comment: Variant has Tier II (potential) clinical significance as a diagnostic inclusion criterion in embryonal rhabdomyosarcoma, based on the following evidence: 1) Information in the literature supports potential biologic effect of variant. 2) Diagnostic significance based on multiple small studies (Evidence Level C; PMIDs: 24436047, 34166060, 26138366).

Literature cited by the submitters: PubMed 24436047; PubMed 34166060; PubMed 26138366.

NM_006015.6(ARID1A):c.2623del (p.Met875fs)

Gene: ARID1A (AT-rich interaction domain 1A; plus strand). Cytogenetic location: 1p36.11.
Variant type: Deletion.
Coding change: c.2623del on transcript NM_006015.6 (MANE Select); coding-DNA position 2623, one base deleted (A; older notation c.2623delA).
Protein change: p.Met875fs; shifts the reading frame from methionine 875.
Molecular consequence: frameshift variant.
Genome position (GRCh38, 1-based): chr1:26,763,176, A deleted. VCF-style (leftmost placement, unchanged base first): chr1-26763175-TA-T. GRCh37 (hg19) VCF-style: chr1-27089666-TA-T.
Other names: c.2623del, p.Met875fs (NM_139135.4); short protein forms M875fs.
Identifiers: ClinVar variation 4530193 (VCV004530193.1).